The following is an entry in ClinVar:

ClinVar aggregate classification (germline): Uncertain significance (1 of 4 stars; one submission).

Conditions:
Developmental and epileptic encephalopathy, 34 (DEE34). Also called: Early infantile epileptic encephalopathy 34; SLC12A5-Related Epilepsy of Infancy with Migrating Focal Seizures. Identifiers: Orphanet 293181, MedGen C4225257, MONDO:0014718, OMIM 616645.

Submission:

Labcorp Genetics (formerly Invitae), Labcorp
Classification: Uncertain significance for Developmental and epileptic encephalopathy, 34. Last evaluated: 2018-07-03. Review status: criteria provided, single submitter. Criteria: Invitae Variant Classification Sherloc (09022015). Collection method: clinical testing. Allele origin: germline.
Comment: In summary, the available evidence is currently insufficient to determine the role of this variant in disease. Therefore, it has been classified as a Variant of Uncertain Significance. Algorithms developed to predict the effect of missense changes on protein structure and function are either unavailable or do not agree on the potential impact of this missense change (SIFT: "Deleterious"; PolyPhen-2: "Probably Damaging"; Align-GVGD: "Class C0"). This variant has not been reported in the literature in individuals with SLC12A5-related disease. This variant is not present in population databases (ExAC no frequency). This sequence change replaces leucine with arginine at codon 289 of the SLC12A5 protein (p.Leu289Arg). The leucine residue is moderately conserved and there is a moderate physicochemical difference between leucine and arginine.

NM_020708.5(SLC12A5):c.866T>G (p.Leu289Arg)

Gene: SLC12A5 (solute carrier family 12 member 5; plus strand). Cytogenetic location: 20q13.12.
Variant type: single nucleotide variant.
Coding change: c.866T>G on transcript NM_020708.5 (MANE Select); coding-DNA position 866, T replaced by G.
Protein change: p.Leu289Arg; replaces leucine 289 with arginine.
Molecular consequence: missense variant.
Genome position (GRCh38, 1-based): chr20:46,041,340, T>G. VCF-style: chr20-46041340-T-G. GRCh37 (hg19) VCF-style: chr20-44669979-T-G.
Other names: c.935T>G, p.Leu312Arg (NM_001134771.2); short protein forms L289R, L312R.
Identifiers: ClinVar variation 642908 (VCV000642908.9), dbSNP rs1600595445, ClinGen allele CA409190176.